The following is an entry in ClinVar:

NM_007227.3(GPR45):c.752G>A (p.Arg251Gln)

Gene: GPR45 (G protein-coupled receptor 45; plus strand). Cytogenetic location: 2q12.1.
Variant type: single nucleotide variant.
Coding change: c.752G>A on transcript NM_007227.3 (MANE Select); coding-DNA position 752, G replaced by A.
Protein change: p.Arg251Gln; replaces arginine 251 with glutamine.
Molecular consequence: missense variant.
Genome position (GRCh38, 1-based): chr2:105,242,610, G>A. VCF-style: chr2-105242610-G-A. GRCh37 (hg19) VCF-style: chr2-105859067-G-A.
Other names: short protein forms R251Q.
Identifiers: ClinVar variation 1988289 (VCV001988289.4), dbSNP rs780064917, ClinGen allele CA1813650.
Genomic context (GRCh38, chr2:105,242,610, plus strand): 5'-ACCAGTCGGACAGCCTGGACCTGCGGCAGCTCACCAGGGCGGGCCTGCGGCGCCTGCAGC[G>A]GCAGCAACAGGTCAGCGTGGACTTGAGCTTCAAGACCAAGGCCTTCACCACCATCCTGAT-3'
Protein context (NP_009158.3, residues 241-261): LTRAGLRRLQ[Arg251Gln]QQQVSVDLSF

ClinVar aggregate classification (germline): Uncertain significance (1 of 4 stars; one submission).

Allele frequency attached by ClinVar (database versions not stated): TOPMed below 0.00001; ExAC 0.00007.

Submission:

Labcorp Genetics (formerly Invitae), Labcorp
Classification: Uncertain significance. Last evaluated: 2025-06-22. Review status: criteria provided, single submitter. Criteria: Invitae Variant Classification Sherloc (09022015). Collection method: clinical testing. Allele origin: germline.
Comment: This sequence change replaces arginine, which is basic and polar, with glutamine, which is neutral and polar, at codon 251 of the GPR45 protein (p.Arg251Gln). This variant is present in population databases (rs780064917, gnomAD 0.03%). This variant has not been reported in the literature in individuals affected with GPR45-related conditions. ClinVar contains an entry for this variant (Variation ID: 1988289). An algorithm developed to predict the effect of missense changes on protein structure and function (PolyPhen-2) suggests that this variant is likely to be disruptive. In summary, the available evidence is currently insufficient to determine the role of this variant in disease. Therefore, it has been classified as a Variant of Uncertain Significance.